The following is an entry in ClinVar:

ClinVar aggregate classification (germline): Uncertain significance. Review status: criteria provided, multiple submitters, no conflicts (2 of 4 stars). 3 submissions from 3 submitters: Uncertain significance (3). Last evaluated 2026-05-19.

Conditions:
Ullrich congenital muscular dystrophy 2 (UCMD2). Identifiers: Orphanet 75840, MedGen C4225314, MONDO:0014654, OMIM 616470.
Bethlem myopathy 2 (BTHLM2). Identifiers: Orphanet 536516, Orphanet 610, MedGen C4225313, MONDO:0034022, OMIM 616471.
Inborn genetic diseases. Identifiers: MedGen C0950123, MeSH D030342.

Allele frequency attached by ClinVar (database versions not stated): gnomAD exomes below 0.00001.
gnomAD v4.1: 3 of 1,596,512 alleles (0.00019%); highest among the groups gnomAD compares: Non-Finnish European, 0.00026%; no homozygotes.

Submissions (3):

Women's Health and Genetics/Laboratory Corporation of America, LabCorp
Classification: Uncertain significance. Last evaluated: 2026-05-19. Review status: criteria provided, single submitter. Criteria: LabCorp Variant Classification Summary - May 2015. Collection method: clinical testing. Allele origin: germline.
Comment: Variant summary: COL12A1 c.6221C>G (p.Pro2074Arg) results in a non-conservative amino acid change in the encoded protein sequence. Algorithms developed to predict the effect of missense changes on protein structure and function are either unavailable or do not agree on the potential impact of this missense change. The variant allele was found at a frequency of 4.2e-06 in 235842 control chromosomes. The available data on variant occurrences in the general population are insufficient to allow any conclusion about variant significance. To our knowledge, no occurrence of c.6221C>G in individuals affected with COL12A1-related conditions and no experimental evidence demonstrating its impact on protein function have been reported. ClinVar contains an entry for this variant (Variation ID: 1956167). Based on the evidence outlined above, the variant was classified as uncertain significance.

Labcorp Genetics (formerly Invitae), Labcorp
Classification: Uncertain significance for Bethlem myopathy 2; Ullrich congenital muscular dystrophy 2. Last evaluated: 2025-06-23. Review status: criteria provided, single submitter. Criteria: Invitae Variant Classification Sherloc (09022015). Collection method: clinical testing. Allele origin: germline.
Comment: This sequence change replaces proline, which is neutral and non-polar, with arginine, which is basic and polar, at codon 2074 of the COL12A1 protein (p.Pro2074Arg). This variant is present in population databases (no rsID available, gnomAD 0.0009%). This variant has not been reported in the literature in individuals affected with COL12A1-related conditions. ClinVar contains an entry for this variant (Variation ID: 1956167). Invitae Evidence Modeling of protein sequence and biophysical properties (such as structural, functional, and spatial information, amino acid conservation, physicochemical variation, residue mobility, and thermodynamic stability) indicates that this missense variant is expected to disrupt COL12A1 protein function with a positive predictive value of 80%. In summary, the available evidence is currently insufficient to determine the role of this variant in disease. Therefore, it has been classified as a Variant of Uncertain Significance.

Ambry Genetics
Classification: Uncertain significance for Inborn genetic diseases. Last evaluated: 2023-08-28. Review status: criteria provided, single submitter. Criteria: Ambry Variant Classification Scheme 2023. Collection method: clinical testing. Allele origin: germline.

NM_004370.6(COL12A1):c.6221C>G (p.Pro2074Arg)

Gene: COL12A1 (collagen type XII alpha 1 chain; minus strand). Cytogenetic location: 6q13.
Variant type: single nucleotide variant.
Coding change: c.6221C>G on transcript NM_004370.6 (MANE Select); coding-DNA position 6221, C replaced by G.
Protein change: p.Pro2074Arg; replaces proline 2074 with arginine.
Molecular consequence: missense variant.
Genome position (GRCh38, 1-based): chr6:75,128,415, G>C on the plus strand (C>G on the coding strand, the complement: COL12A1 is on the minus strand). VCF-style: chr6-75128415-G-C. GRCh37 (hg19) VCF-style: chr6-75838131-G-C.
Other names: c.2729C>G, p.Pro910Arg (NM_080645.3); c.6221C>G (NM_004370.5); short protein forms P2074R, P910R.
Identifiers: ClinVar variation 1956167 (VCV001956167.8), dbSNP rs1441316775, ClinGen allele CA364730558.